The following is an entry in ClinVar:

NM_006612.6(KIF1C):c.2951A>C (p.Asn984Thr)

Gene: KIF1C (kinesin family member 1C; plus strand). Cytogenetic location: 17p13.2.
Variant type: single nucleotide variant.
Coding change: c.2951A>C on transcript NM_006612.6 (MANE Select); coding-DNA position 2951, A replaced by C.
Protein change: p.Asn984Thr; replaces asparagine 984 with threonine.
Molecular consequence: missense variant.
Genome position (GRCh38, 1-based): chr17:5,023,790, A>C. VCF-style: chr17-5023790-A-C. GRCh37 (hg19) VCF-style: chr17-4927085-A-C.
Other names: short protein forms N984T.
Identifiers: ClinVar variation 577751 (VCV000577751.8), dbSNP rs372031774, ClinGen allele CA287186936.
Genomic context (GRCh38, chr17:5,023,790, plus strand): 5'-GGCCCCCAGCCCGCTTTGTGCCCCCTCACGACTGCAAGCTACGCTTCCCCTTCAAGAGCA[A>C]CCCCCAGCACCGGGAGTCTTGGCCAGGGATGGGGAGCGGGGAGGCTCCAACTCCGCTCCA-3'
Protein context (NP_006603.2, residues 974-994): DCKLRFPFKS[Asn984Thr]PQHRESWPGM

ClinVar aggregate classification (germline): Uncertain significance (1 of 4 stars; one submission).

Conditions:
Spastic ataxia 2. Also called: Ataxia, spastic, 2, autosomal recessive. Identifiers: Orphanet 397946, MedGen C1969796, MONDO:0012651, OMIM 611302.

Allele frequency attached by ClinVar (database versions not stated): TOPMed 0.00001; ESP Exome Variant Server 0.00008.

Submission:

Labcorp Genetics (formerly Invitae), Labcorp
Classification: Uncertain significance for Spastic ataxia 2. Last evaluated: 2018-06-25. Review status: criteria provided, single submitter. Criteria: Invitae Variant Classification Sherloc (09022015). Collection method: clinical testing. Allele origin: germline.
Comment: This variant has not been reported in the literature in individuals with KIF1C-related disease. This variant is not present in population databases (ExAC no frequency). This sequence change replaces asparagine with threonine at codon 984 of the KIF1C protein (p.Asn984Thr). The asparagine residue is highly conserved and there is a small physicochemical difference between asparagine and threonine. Algorithms developed to predict the effect of missense changes on protein structure and function are either unavailable or do not agree on the potential impact of this missense change (SIFT: "Deleterious"; PolyPhen-2: "Benign"; Align-GVGD: "Class C0"). In summary, the available evidence is currently insufficient to determine the role of this variant in disease. Therefore, it has been classified as a Variant of Uncertain Significance.